The following is an entry in ClinVar:

NC_000005.9:g.(?_178540868)_(178700085_?)dup

Gene: ADAMTS2 (ADAM metallopeptidase with thrombospondin type 1 motif 2; minus strand). Cytogenetic location: 5q35.3.
Variant type: Duplication.
Identifiers: ClinVar variation 2425921 (VCV002425921.5).

ClinVar aggregate classification (germline): Uncertain significance (1 of 4 stars; one submission).

Conditions:
Ehlers-Danlos syndrome, dermatosparaxis type. Also called: Dermatosparaxis; Ehlers-Danlos syndrome, type VII, autosomal recessive; EDS VIIC. Identifiers: Orphanet 1901, MedGen C2700425, MONDO:0009161, OMIM 225410.

Submission:

Labcorp Genetics (formerly Invitae), Labcorp
Classification: Uncertain significance for Ehlers-Danlos syndrome, dermatosparaxis type. Last evaluated: 2021-06-13. Review status: criteria provided, single submitter. Criteria: Invitae Variant Classification Sherloc (09022015). Collection method: clinical testing. Allele origin: germline.
Comment: This variant results in a copy number gain of the genomic region encompassing exon(s) 3-22 of the ADAMTS2 gene. The 5' boundary is likely confined to intron 2. The 3' end of this event is unknown as it extends beyond the assayed region for this gene and therefore may encompass additional genes. As the precise location of this event is unknown, it may be in tandem or it may be located elsewhere in the genome. This variant has not been reported in the literature in individuals with ADAMTS2-related conditions. Experimental studies and prediction algorithms are not available or were not evaluated, and the functional significance of this variant is currently unknown. In summary, the available evidence is currently insufficient to determine the role of this variant in disease. Therefore, it has been classified as a Variant of Uncertain Significance.